The following is an entry in ClinVar:

ClinVar aggregate classification (germline): Benign. Review status: criteria provided, multiple submitters, no conflicts (2 of 4 stars). 10 submissions from 10 submitters: Benign (10). Last evaluated 2026-02-02.

Conditions:
Cardiovascular phenotype. Identifiers: MedGen CN230736.
Brugada syndrome 8 (BRGDA8). Identifiers: Orphanet 130, MedGen C2751083, MONDO:0013148, OMIM 613123.

Allele frequency attached by ClinVar (database versions not stated): gnomAD exomes 0.00232; ExAC 0.00424; ESP Exome Variant Server 0.00425; 1000 Genomes Project 0.00799; gnomAD 0.00864 and 0.00931; 1000 Genomes Project 30x 0.00874; TOPMed 0.00960.
gnomAD v4.1: 2,462 of 1,538,710 alleles (0.16%); highest among the groups gnomAD compares: African/African-American, 3.1%; 38 homozygotes.

Submissions (10):

Labcorp Genetics (formerly Invitae), Labcorp
Classification: Benign for Brugada syndrome 8. Last evaluated: 2026-02-02. Review status: criteria provided, single submitter. Criteria: Invitae Variant Classification Sherloc (09022015). Collection method: clinical testing. Allele origin: germline.

Molecular Diagnostic Laboratory for Inherited Cardiovascular Disease, Montreal Heart Institute
Classification: Benign. Last evaluated: 2025-04-09. Review status: criteria provided, single submitter. Criteria: ACMG Guidelines, 2015. Collection method: clinical testing. Allele origin: germline. Affected: no.

Athena Diagnostics
Classification: Benign. Last evaluated: 2025-03-03. Review status: criteria provided, single submitter. Criteria: Athena Diagnostics Criteria. Collection method: clinical testing. Allele origin: unknown.
Comment: The frequency of this variant in the general population is higher than would generally be expected for pathogenic variants in this gene.

ARUP Laboratories, Molecular Genetics and Genomics, ARUP Laboratories
Classification: Benign. Last evaluated: 2024-10-25. Review status: criteria provided, single submitter. Criteria: ARUP Molecular Germline Variant Investigation Process 2024. Collection method: clinical testing. Allele origin: germline.

Women's Health and Genetics/Laboratory Corporation of America, LabCorp
Classification: Benign. Last evaluated: 2024-07-28. Review status: criteria provided, single submitter. Criteria: LabCorp Variant Classification Summary - May 2015. Collection method: clinical testing. Allele origin: germline.

Mayo Clinic Laboratories, Mayo Clinic
Classification: Benign. Last evaluated: 2023-04-25. Review status: criteria provided, single submitter. Criteria: ACMG Guidelines, 2015. Collection method: clinical testing. Allele origin: germline. Observed: 5 variant alleles.
Comment: BA1, BP4, BP7

Ambry Genetics
Classification: Benign for Cardiovascular phenotype. Last evaluated: 2015-09-28. Review status: criteria provided, single submitter. Criteria: Ambry Variant Classification Scheme 2023. Collection method: clinical testing. Allele origin: germline.

Eurofins Ntd Llc (ga)
Classification: Benign. Last evaluated: 2015-06-02. Review status: criteria provided, single submitter. Criteria: EGL Classification Definitions 2015. Collection method: clinical testing. Allele origin: germline. Observed: 5 variant alleles, 5 heterozygotes.

GeneDx
Classification: Benign. Last evaluated: 2014-06-19. Review status: criteria provided, single submitter. Criteria: GeneDx Variant Classification (06012015). Collection method: clinical testing. Allele origin: germline. Affected: yes.
Comment: This variant is considered likely benign or benign based on one or more of the following criteria: it is a conservative change, it occurs at a poorly conserved position in the protein, it is predicted to be benign by multiple in silico algorithms, and/or has population frequency not consistent with disease.

Breakthrough Genomics
Classification: Benign. Review status: criteria provided, single submitter. Criteria: ACMG Guidelines, 2015. Collection method: not provided. Allele origin: germline. Inheritance: Autosomal dominant inheritance. Affected: yes.

NM_005477.3(HCN4):c.3033T>G (p.Ser1011=)

Gene: HCN4 (hyperpolarization activated cyclic nucleotide gated potassium channel 4; minus strand). Cytogenetic location: 15q24.1.
Variant type: single nucleotide variant.
Coding change: c.3033T>G on transcript NM_005477.3 (MANE Select); coding-DNA position 3033, T replaced by G.
Protein change: p.Ser1011=; no amino-acid change (serine 1011 retained).
Molecular consequence: synonymous variant.
Genome position (GRCh38, 1-based): chr15:73,323,060, A>C on the plus strand (T>G on the coding strand, the complement: HCN4 is on the minus strand). VCF-style: chr15-73323060-A-C. GRCh37 (hg19) VCF-style: chr15-73615401-A-C.
Other names: p.S1011S:TCT>TCG; p.Ser1011=.
Identifiers: ClinVar variation 190776 (VCV000190776.27), dbSNP rs186728422, ClinGen allele CA199745.
Genomic context (GRCh38, chr15:73,323,060, plus strand): 5'-GCTGTGGCCAGGGGGGCTGAGACCTCCTCGGGGAGTAAAGCCTACAGGGGAAGCCCCCCC[A>C]GAGGCCCCTGCCACAAGGGACGGCGGCTCAGGCTGCCGTGGGGGTGTCTCTGGCGTGCTC-3'
Protein context (NP_005468.1, residues 1001-1021): PEPPSLVAGA[Ser1011=]GGASPVGFTP